The following is an entry in ClinVar:

ClinVar aggregate classification (germline): Likely benign (1 of 4 stars; one submission).

Submission:

GeneDx
Classification: Likely benign. Last evaluated: 2020-11-26. Review status: criteria provided, single submitter. Criteria: GeneDx Variant Classification Process June 2021. Collection method: clinical testing. Allele origin: germline. Affected: yes.
Comment: See Variant Classification Assertion Criteria.

NM_006846.4(SPINK5):c.1607+240del

Gene: SPINK5 (serine peptidase inhibitor Kazal type 5; plus strand). Cytogenetic location: 5q32.
Variant type: Deletion.
Coding change: c.1607+240del on transcript NM_006846.4 (MANE Select); 240 bases into the intron after coding-DNA position 1607, one base deleted (T; older notation c.1607+240delT).
Molecular consequence: intron variant.
Genome position (GRCh38, 1-based): chr5:148,107,404, T deleted; the last of 9 consecutive T bases (chr5:148,107,396-148,107,404); deleting any one gives the same sequence. VCF-style (leftmost placement, unchanged base first): chr5-148107395-GT-G. GRCh37 (hg19) VCF-style: chr5-147486958-GT-G.
Other names: c.1607+240del (NM_001127698.2, NM_001127699.2).
Identifiers: ClinVar variation 1707385 (VCV001707385.2), dbSNP rs757703536, ClinGen allele CA128923722.